The following is an entry in ClinVar:

ClinVar aggregate classification (germline): Conflicting classifications of pathogenicity. Review status: criteria provided, conflicting classifications (1 of 4 stars). 6 submissions from 5 submitters: Uncertain significance (5); Likely benign (1). Last evaluated 2025-02-27.

Conditions:
Adams-Oliver syndrome 5 (AOS5). Identifiers: Orphanet 974, MedGen C4014970, MONDO:0014459, OMIM 616028.
Familial thoracic aortic aneurysm and aortic dissection (TAAD). Also called: Thoracic aortic aneurysms and dissections. Identifiers: Orphanet 91387, MedGen C4707243, MONDO:0019625.
Aortic valve disease 1 (AOVD1). Identifiers: MedGen C3887892, MONDO:0024523, OMIM 109730.

Allele frequency attached by ClinVar (database versions not stated): gnomAD exomes below 0.00001; gnomAD 0.00001; TOPMed 0.00001; ExAC 0.00002.
gnomAD v4.1: 8 of 1,607,126 alleles (0.0005%); highest among the groups gnomAD compares: Non-Finnish European, 0.00068%; no homozygotes.

Submissions (6):

GeneDx
Classification: Uncertain significance. Last evaluated: 2025-02-27. Review status: criteria provided, single submitter. Criteria: GeneDx Variant Classification Process June 2021. Collection method: clinical testing. Allele origin: germline. Affected: yes.
Comment: Has not been previously published as pathogenic or benign to our knowledge; In silico analysis supports that this missense variant has a deleterious effect on protein structure/function; Not observed at significant frequency in large population cohorts (gnomAD)

Ambry Genetics
Classification: Uncertain significance for Familial thoracic aortic aneurysm and aortic dissection. Last evaluated: 2024-12-28. Review status: criteria provided, single submitter. Criteria: Ambry Variant Classification Scheme 2023. Collection method: clinical testing. Allele origin: germline.
Comment: The p.G1331R variant (also known as c.3991G>A), located in coding exon 24 of the NOTCH1 gene, results from a G to A substitution at nucleotide position 3991. The glycine at codon 1331 is replaced by arginine, an amino acid with dissimilar properties. This amino acid position is conserved. In addition, this alteration is predicted to be deleterious by in silico analysis. Since supporting evidence is limited at this time, the clinical significance of this alteration remains unclear.

Labcorp Genetics (formerly Invitae), Labcorp
Classification: Likely benign for Adams-Oliver syndrome 5. Last evaluated: 2024-06-20. Review status: criteria provided, single submitter. Criteria: Invitae Variant Classification Sherloc (09022015). Collection method: clinical testing. Allele origin: germline.

Genome-Nilou Lab
Classification: Uncertain significance for Adams-Oliver syndrome 5. Last evaluated: 2022-03-15. Review status: criteria provided, single submitter. Criteria: ACMG Guidelines, 2015. Collection method: clinical testing. Allele origin: germline. Affected: no.

Genome-Nilou Lab
Classification: Uncertain significance for Aortic valve disease 1. Last evaluated: 2022-03-15. Review status: criteria provided, single submitter. Criteria: ACMG Guidelines, 2015. Collection method: clinical testing. Allele origin: germline. Affected: no.

AiLife Diagnostics
Classification: Uncertain significance. Last evaluated: 2021-12-14. Review status: criteria provided, single submitter. Criteria: ACMG Guidelines, 2015. Collection method: clinical testing. Allele origin: germline. Affected: yes. Observed: 1 variant allele.

NM_017617.5(NOTCH1):c.3991G>A (p.Gly1331Arg)

Gene: NOTCH1 (notch receptor 1; minus strand). Cytogenetic location: 9q34.3.
Variant type: single nucleotide variant.
Coding change: c.3991G>A on transcript NM_017617.5 (MANE Select); coding-DNA position 3991, G replaced by A.
Protein change: p.Gly1331Arg; replaces glycine 1331 with arginine.
Molecular consequence: missense variant.
Genome position (GRCh38, 1-based): chr9:136,506,550, C>T on the plus strand (G>A on the coding strand, the complement: NOTCH1 is on the minus strand). VCF-style: chr9-136506550-C-T. GRCh37 (hg19) VCF-style: chr9-139401002-C-T.
Other names: c.3991G>A (NM_017617.3); short protein forms G1331R.
Identifiers: ClinVar variation 1483895 (VCV001483895.12), dbSNP rs769908800, ClinGen allele CA5340737.